The following is an entry in ClinVar:

ClinVar aggregate classification (germline): Pathogenic (1 of 4 stars; one submission).

Submission:

GeneDx
Classification: Pathogenic. Last evaluated: 2017-03-30. Review status: criteria provided, single submitter. Criteria: GeneDx Variant Classification (06012015). Collection method: clinical testing. Allele origin: germline. Affected: yes.
Comment: The W175X nonsense variant in the MAT1A gene is predicted to cause loss of normal protein function either through protein truncation or nonsense-mediated mRNA decay. Although this variant has not been reported previously to our knowledge, it is expected to be a pathogenic variant.

NM_000429.3(MAT1A):c.524G>A (p.Trp175Ter)

Gene: MAT1A (methionine adenosyltransferase 1A; minus strand). Cytogenetic location: 10q22.3.
Variant type: single nucleotide variant.
Coding change: c.524G>A on transcript NM_000429.3 (MANE Select); coding-DNA position 524, G replaced by A.
Protein change: p.Trp175Ter; replaces tryptophan 175 with a stop codon.
Molecular consequence: nonsense.
Genome position (GRCh38, 1-based): chr10:80,280,198, C>T on the plus strand (G>A on the coding strand, the complement: MAT1A is on the minus strand). VCF-style: chr10-80280198-C-T. GRCh37 (hg19) VCF-style: chr10-82039954-C-T.
Other names: short protein forms W175*.
Identifiers: ClinVar variation 503624 (VCV000503624.1), dbSNP rs1203137107, ClinGen allele CA377362641.